The following is an entry in ClinVar:

NM_000212.3(ITGB3):c.1544G>A (p.Arg515Gln)

Gene: ITGB3 (integrin subunit beta 3; plus strand). Cytogenetic location: 17q21.32.
Variant type: single nucleotide variant.
Coding change: c.1544G>A on transcript NM_000212.3 (MANE Select); coding-DNA position 1544, G replaced by A.
Protein change: p.Arg515Gln; replaces arginine 515 with glutamine.
Molecular consequence: missense variant.
Genome position (GRCh38, 1-based): chr17:47,292,422, G>A. VCF-style: chr17-47292422-G-A. GRCh37 (hg19) VCF-style: chr17-45369788-G-A.
Other names: R489Q; c.1544G>A (NM_000212.2); short protein forms R515Q.
Identifiers: ClinVar variation 13561 (VCV000013561.18), dbSNP rs13306487, ClinGen allele CA123241.
Genomic context (GRCh38, chr17:47,292,422, plus strand): 5'-CCCAGTGTGAGTGCTCAGAGGAGGACTATCGCCCTTCCCAGCAGGACGAATGCAGCCCCC[G>A]GGAGGGTCAGCCCGTCTGCAGCCAGCGGGGCGAGTGCCTCTGTGGTCAATGTGTCTGCCA-3'
Protein context (NP_000203.2, residues 505-525): RPSQQDECSP[Arg515Gln]EGQPVCSQRG

ClinVar aggregate classification (germline): Benign. Review status: reviewed by expert panel (3 of 4 stars). 7 submissions from 7 submitters: Benign (1). 6 of the submissions do not count toward it. Last evaluated 2021-05-07.

Conditions:
Ca/Tu ALLOANTIGEN POLYMORPHISM.
Glanzmann thrombasthenia. Also called: Glanzmann's thrombasthenia; Thrombasthenia; THROMBASTHENIA OF GLANZMANN AND NAEGELI; PLATELET GLYCOPROTEIN IIb-IIIa DEFICIENCY. Identifiers: Orphanet 849, MedGen C0040015, MONDO:0100326.

Allele frequency attached by ClinVar (database versions not stated): TOPMed 0.00216; 1000 Genomes Project 30x 0.00297; 1000 Genomes Project 0.00379.
gnomAD v4.1: 1,838 of 1,611,564 alleles (0.11%); highest among the groups gnomAD compares: East Asian, 1.9%; 9 homozygotes.

Submissions (7):

ClinGen Platelet Disorders Variant Curation Expert Panel, ClinGen
Classification: Benign for Glanzmann thrombasthenia. Last evaluated: 2021-05-07. Review status: reviewed by expert panel. Criteria: ClinGen Platelet ACMG Specifications v2. Collection method: curation. Allele origin: germline. Inheritance: Autosomal recessive inheritance.
Comment: The NM_000212.3(ITGB3):c.1544G>A (p.Arg515Gln) missense variant occurs at an allele frequency of 0.02211 in the gnomAD East Asian population and is predicted, by REVEL score of 0.183, to have no impact on the gene or gene product. This variant has been reported in the literature multiple times (including PMIDs: 7694683 and 8457479) as the alloantigenic site HPA-6 (formerly known as Ca/Tu). In summary, the variant is classified as benign for GT. GT-specific criteria applied: BA1 and BP4.

Labcorp Genetics (formerly Invitae), Labcorp
Classification: Benign. Last evaluated: 2026-01-18. Review status: criteria provided, single submitter. Criteria: Invitae Variant Classification Sherloc (09022015). Collection method: clinical testing. Allele origin: germline. Not counted in ClinVar's aggregate classification.

Mayo Clinic Laboratories, Mayo Clinic
Classification: Likely benign. Last evaluated: 2025-10-08. Review status: criteria provided, single submitter. Criteria: ACMG Guidelines, 2015. Collection method: clinical testing. Allele origin: germline. Observed: 1 variant allele. Not counted in ClinVar's aggregate classification.
Comment: BS1, BP4_moderate

Blueprint Genetics
Classification: Likely benign. Last evaluated: 2024-11-27. Review status: criteria provided, single submitter. Criteria: ACMG Guidelines, 2015. Collection method: clinical testing. Allele origin: germline. Not counted in ClinVar's aggregate classification.

Illumina Laboratory Services, Illumina
Classification: Uncertain significance for Glanzmann thrombasthenia 1. Last evaluated: 2017-04-27. Review status: criteria provided, single submitter. Criteria: ICSL Variant Classification Criteria 13 December 2019. Collection method: clinical testing. Allele origin: germline. Not counted in ClinVar's aggregate classification.
Comment: This variant was observed as part of a predisposition screen in an ostensibly healthy population. A literature search was performed for the gene, cDNA change, and amino acid change (where applicable). Publications were found based on this search. However, the evidence from the literature, in combination with allele frequency data from public databases where available, was not sufficient to rule this variant in or out of causing disease. Therefore, this variant is classified as a variant of unknown significance.

Breakthrough Genomics
Classification: Benign. Review status: criteria provided, single submitter. Criteria: ACMG Guidelines, 2015. Collection method: not provided. Allele origin: germline. Inheritance: Autosomal recessive inheritance. Affected: yes. Not counted in ClinVar's aggregate classification.

OMIM
Classification: Benign for Ca/Tu ALLOANTIGEN POLYMORPHISM. Last evaluated: 1993-12-01. Review status: no assertion criteria provided. Collection method: literature only. Allele origin: germline. Not counted in ClinVar's aggregate classification.

Literature cited by the submitters: PubMed 25827233 (cited by Illumina Laboratory Services, Illumina); PubMed 7694683 (cited by Illumina Laboratory Services, Illumina and OMIM); PubMed 21658138 (cited by Illumina Laboratory Services, Illumina); PubMed 8457479 (cited by Illumina Laboratory Services, Illumina and OMIM).